The following is an entry in ClinVar:

NC_000003.12:g.48580345dup

Gene: COL7A1 (collagen type VII alpha 1 chain; minus strand). Cytogenetic location: 3p21.31.
Variant type: Duplication.
Genome position: GRCh38 VCF-style: chr3-48580342-G-GC. GRCh37 (hg19) VCF-style: chr3-48617775-G-GC.
Identifiers: ClinVar variation 4719507 (VCV004719507.1).
Genomic context (GRCh38, chr3:48,580,342, plus strand): 5'-GACACCAGCCCTACTCACCGGCTCCCCACGGTCACCCTTGGGTCCAGATGATCCAGGGCT[G>GC]CCCTGCAGAAAGGCAGGGGTCAGGGCCACTCAAGGTAGGCAGCAGTTTGGGAGAGCTTTG-3'

ClinVar aggregate classification (germline): Pathogenic (1 of 4 stars; one submission).

Submission:

Labcorp Genetics (formerly Invitae), Labcorp
Classification: Pathogenic. Last evaluated: 2025-05-18. Review status: criteria provided, single submitter. Criteria: Invitae Variant Classification Sherloc (09022015). Collection method: clinical testing. Allele origin: germline.
Comment: This sequence change creates a premature translational stop signal (p.Ser1686Glnfs*10) in the COL7A1 gene. It is expected to result in an absent or disrupted protein product. Loss-of-function variants in COL7A1 are known to be pathogenic (PMID: 16971478). This variant is not present in population databases (gnomAD no frequency). This variant has not been reported in the literature in individuals affected with COL7A1-related conditions. For these reasons, this variant has been classified as Pathogenic.

Literature cited by the submitters: PubMed 16971478.